The following is an entry in ClinVar:

NM_001711.6(BGN):c.335G>A (p.Gly112Asp)

Gene: BGN (biglycan; plus strand). Cytogenetic location: Xq28.
Variant type: single nucleotide variant.
Coding change: c.335G>A on transcript NM_001711.6 (MANE Select); coding-DNA position 335, G replaced by A.
Protein change: p.Gly112Asp; replaces glycine 112 with aspartic acid.
Molecular consequence: missense variant.
Genome position (GRCh38, 1-based): chrX:153,505,334, G>A. VCF-style: chrX-153505334-G-A. GRCh37 (hg19) VCF-style: chrX-152770792-G-A.
Other names: short protein forms G112D.
Identifiers: ClinVar variation 1947711 (VCV001947711.5), dbSNP rs2521208871, ClinGen allele CA415068949.
Genomic context (GRCh38, chrX:153,505,334, plus strand): 5'-CCACGCTGCTGGACCTGCAGAACAACGACATCTCCGAGCTCCGCAAGGATGACTTCAAGG[G>A]TCTCCAGCACCTCTACGTAAGGAGCTGGGAGGAACCAGCAGGCCTACAGCAGAGGGCAGG-3'
Protein context (NP_001702.1, residues 102-122): ISELRKDDFK[Gly112Asp]LQHLYALVLV

ClinVar aggregate classification (germline): Uncertain significance (1 of 4 stars; one submission).

Allele frequency attached by ClinVar (database versions not stated): gnomAD exomes below 0.00001.

Submission:

Labcorp Genetics (formerly Invitae), Labcorp
Classification: Uncertain significance. Last evaluated: 2022-02-25. Review status: criteria provided, single submitter. Criteria: Invitae Variant Classification Sherloc (09022015). Collection method: clinical testing. Allele origin: germline.
Comment: This variant has not been reported in the literature in individuals affected with BGN-related conditions. Algorithms developed to predict the effect of missense changes on protein structure and function are either unavailable or do not agree on the potential impact of this missense change (SIFT: "Not Available"; PolyPhen-2: "Benign"; Align-GVGD: "Not Available"). In summary, the available evidence is currently insufficient to determine the role of this variant in disease. Therefore, it has been classified as a Variant of Uncertain Significance. This sequence change replaces glycine, which is neutral and non-polar, with aspartic acid, which is acidic and polar, at codon 112 of the BGN protein (p.Gly112Asp). This variant is not present in population databases (gnomAD no frequency).